The following is an entry in ClinVar:

NM_006445.4(PRPF8):c.6792G>A (p.Ser2264=)

Gene: PRPF8 (pre-mRNA processing factor 8; minus strand). Cytogenetic location: 17p13.3.
Variant type: single nucleotide variant.
Coding change: c.6792G>A on transcript NM_006445.4 (MANE Select); coding-DNA position 6792, G replaced by A.
Protein change: p.Ser2264=; no amino-acid change (serine 2264 retained).
Molecular consequence: synonymous variant.
Genome position (GRCh38, 1-based): chr17:1,651,169, C>T on the plus strand (G>A on the coding strand, the complement: PRPF8 is on the minus strand). VCF-style: chr17-1651169-C-T. GRCh37 (hg19) VCF-style: chr17-1554463-C-T.
Identifiers: ClinVar variation 197470 (VCV000197470.20), dbSNP rs369391284, ClinGen allele CA245637.

ClinVar aggregate classification (germline): Conflicting classifications of pathogenicity. Review status: criteria provided, conflicting classifications (1 of 4 stars). 5 submissions from 5 submitters: Uncertain significance (1); Benign (1); Likely benign (2). 1 of the submissions does not count toward it. Last evaluated 2026-01-05.

Conditions:
PRPF8-related disorder. Also called: PRPF8-related condition.
Retinitis pigmentosa (RP). Identifiers: Orphanet 791, MedGen C0035334, MeSH D012174, MONDO:0019200, OMIM 268000. Inheritance: Autosomal dominant, autosomal recessive and X linked inheritance.

Allele frequency attached by ClinVar (database versions not stated): gnomAD exomes 0.00014; 1000 Genomes Project 30x 0.00016; ExAC 0.00017; 1000 Genomes Project 0.00020; ESP Exome Variant Server 0.00046; gnomAD 0.00046 and 0.00049; TOPMed 0.00054.
gnomAD v4.1: 171 of 1,614,124 alleles (0.011%); highest among the groups gnomAD compares: African/African-American, 0.17%; no homozygotes.

Submissions (5):

Labcorp Genetics (formerly Invitae), Labcorp
Classification: Benign. Last evaluated: 2026-01-05. Review status: criteria provided, single submitter. Criteria: Invitae Variant Classification Sherloc (09022015). Collection method: clinical testing. Allele origin: germline.

Blueprint Genetics
Classification: Likely benign. Last evaluated: 2022-11-02. Review status: criteria provided, single submitter. Criteria: ACMG Guidelines, 2015. Collection method: clinical testing. Allele origin: germline.

Illumina Laboratory Services, Illumina
Classification: Likely benign for Retinitis pigmentosa. Last evaluated: 2018-01-13. Review status: criteria provided, single submitter. Criteria: ICSL Variant Classification Criteria 13 December 2019. Collection method: clinical testing. Allele origin: germline.
Comment: This variant was observed in the ICSL laboratory as part of a predisposition screen in an ostensibly healthy population. It had not been previously curated by ICSL or reported in the Human Gene Mutation Database (HGMD: prior to June 1st, 2018), and was therefore a candidate for classification through an automated scoring system. Utilizing variant allele frequency, disease prevalence and penetrance estimates, and inheritance mode, an automated score was calculated to assess if this variant is too frequent to cause the disease. Based on the score and internal cut-off values, a variant classified as likely benign is not then subjected to further curation. The score for this variant resulted in a classification of likely benign for this disease.

Eurofins Ntd Llc (ga)
Classification: Uncertain significance. Last evaluated: 2015-03-06. Review status: criteria provided, single submitter. Criteria: EGL Classification Definitions 2015. Collection method: clinical testing. Allele origin: germline. Observed: 1 variant allele, 1 heterozygote.

PreventionGenetics, part of Exact Sciences
Classification: Likely benign for PRPF8-related condition. Last evaluated: 2019-10-04. Review status: no assertion criteria provided. Collection method: clinical testing. Allele origin: germline. Not counted in ClinVar's aggregate classification.
Comment: This variant is classified as likely benign based on ACMG/AMP sequence variant interpretation guidelines (Richards et al. 2015 PMID: 25741868, with internal and published modifications).